The following is an entry in ClinVar:

NM_001035.3(RYR2):c.13462C>T (p.Gln4488Ter)

Gene: RYR2 (ryanodine receptor 2; plus strand). Cytogenetic location: 1q43.
Variant type: single nucleotide variant.
Coding change: c.13462C>T on transcript NM_001035.3 (MANE Select); coding-DNA position 13462, C replaced by T.
Protein change: p.Gln4488Ter; replaces glutamine 4488 with a stop codon.
Molecular consequence: nonsense.
Genome position (GRCh38, 1-based): chr1:237,788,121, C>T. VCF-style: chr1-237788121-C-T. GRCh37 (hg19) VCF-style: chr1-237951421-C-T.
Other names: short protein forms Q4488*.
Identifiers: ClinVar variation 5017381 (VCV005017381.1).

ClinVar aggregate classification (germline): Uncertain significance (1 of 4 stars; one submission).

Submission:

GeneDx
Classification: Uncertain significance. Last evaluated: 2026-03-26. Review status: criteria provided, single submitter. Criteria: GeneDx Variant Classification Process June 2021. Collection method: clinical testing. Allele origin: germline.
Comment: Not observed at significant frequency in large population cohorts (gnomAD); Nonsense variant predicted to result in protein truncation or nonsense mediated decay in a gene or region of a gene for which loss of function is not a well-established mechanism of disease; Has not been previously published as pathogenic or benign to our knowledge